The following is an entry in ClinVar:

ClinVar aggregate classification (germline): Benign. Review status: criteria provided, multiple submitters, no conflicts (2 of 4 stars). 2 submissions from 2 submitters: Benign (2). Last evaluated 2018-06-19.

Allele frequency attached by ClinVar (database versions not stated): gnomAD 0.28239 and 0.28939; TOPMed 0.29220; 1000 Genomes Project 30x 0.35134; 1000 Genomes Project 0.35723.
gnomAD v4.1: 283,544 of 937,546 alleles (30%); highest among the groups gnomAD compares: East Asian, 62%; 46,140 homozygotes.

Submissions (2):

GeneDx
Classification: Benign. Last evaluated: 2018-06-19. Review status: criteria provided, single submitter. Criteria: GeneDx Variant Classification (06012015). Collection method: clinical testing. Allele origin: germline. Affected: yes.
Comment: This variant is considered likely benign or benign based on one or more of the following criteria: it is a conservative change, it occurs at a poorly conserved position in the protein, it is predicted to be benign by multiple in silico algorithms, and/or has population frequency not consistent with disease.

Breakthrough Genomics
Classification: Benign. Review status: criteria provided, single submitter. Criteria: ACMG Guidelines, 2015. Collection method: not provided. Allele origin: germline. Inheritance: Autosomal recessive inheritance. Affected: yes.

NM_000512.5(GALNS):c.567-105T>C

Gene: GALNS (galactosamine (N-acetyl)-6-sulfatase; minus strand). Cytogenetic location: 16q24.3.
Variant type: single nucleotide variant.
Coding change: c.567-105T>C on transcript NM_000512.5 (MANE Select); 105 bases into the intron before coding-DNA position 567, T replaced by C.
Molecular consequence: intron variant.
Genome position (GRCh38, 1-based): chr16:88,836,372, A>G on the plus strand (T>C on the coding strand, the complement: GALNS is on the minus strand). VCF-style: chr16-88836372-A-G. GRCh37 (hg19) VCF-style: chr16-88902780-A-G.
Other names: c.12-105T>C (NM_001323543.2); c.585-105T>C (NM_001323544.2).
Identifiers: ClinVar variation 684012 (VCV000684012.2), dbSNP rs12444543, ClinGen allele CA14305876.